The following is an entry in ClinVar:

ClinVar aggregate classification (germline): Likely pathogenic (1 of 4 stars; one submission).

Conditions:
Gorlin syndrome. Also called: Nevoid Basal Cell Carcinoma Syndrome; Basal cell nevus syndrome. Identifiers: Orphanet 377, MedGen C0004779, MONDO:0007187.

Submission:

Labcorp Genetics (formerly Invitae), Labcorp
Classification: Likely pathogenic for Gorlin syndrome. Last evaluated: 2024-07-27. Review status: criteria provided, single submitter. Criteria: Invitae Variant Classification Sherloc (09022015). Collection method: clinical testing. Allele origin: germline.
Comment: This sequence change replaces tryptophan, which is neutral and slightly polar, with glycine, which is neutral and non-polar, at codon 926 of the PTCH1 protein (p.Trp926Gly). This variant is not present in population databases (gnomAD no frequency). This variant has not been reported in the literature in individuals affected with PTCH1-related conditions. Advanced modeling of protein sequence and biophysical properties (such as structural, functional, and spatial information, amino acid conservation, physicochemical variation, residue mobility, and thermodynamic stability) performed at Invitae indicates that this missense variant is expected to disrupt PTCH1 protein function with a positive predictive value of 95%. This variant disrupts the p.Trp926 amino acid residue in PTCH1. Other variant(s) that disrupt this residue have been determined to be pathogenic (PMID: 16088933). This suggests that this residue is clinically significant, and that variants that disrupt this residue are likely to be disease-causing. In summary, the currently available evidence indicates that the variant is pathogenic, but additional data are needed to prove that conclusively. Therefore, this variant has been classified as Likely Pathogenic.

Literature cited by the submitters: PubMed 16088933.

NM_000264.5(PTCH1):c.2776T>G (p.Trp926Gly)

Gene: PTCH1 (patched 1; minus strand). Cytogenetic location: 9q22.32.
Variant type: single nucleotide variant.
Coding change: c.2776T>G on transcript NM_000264.5 (MANE Select); coding-DNA position 2776, T replaced by G.
Protein change: p.Trp926Gly; replaces tryptophan 926 with glycine.
Molecular consequence: missense variant. On other transcripts: non-coding transcript variant (1).
Genome position (GRCh38, 1-based): chr9:95,459,711, A>C on the plus strand (T>G on the coding strand, the complement: PTCH1 is on the minus strand). VCF-style: chr9-95459711-A-C. GRCh37 (hg19) VCF-style: chr9-98221993-A-C.
Other names: c.2578T>G, p.Trp860Gly (NM_001083602.3); c.2773T>G, p.Trp925Gly (NM_001083603.3); c.2323T>G, p.Trp775Gly (NM_001083604.3, NM_001083605.3, NM_001083606.3 and 1 more transcripts); c.2620T>G, p.Trp874Gly (NM_001354918.2); short protein forms W925G, W775G, W874G, W926G, W860G.
Identifiers: ClinVar variation 3635842 (VCV003635842.2).
Genomic context (GRCh38, chr9:95,459,711, plus strand): 5'-GTCGGTGTGGCCGGATGTTGGCCTGGGAGGCAGCATACGCGACGGGGTCGTTGCTGACCC[A>C]AGCCGTCAGGTAGATGTAGAAAGCGCTGGGATTAATGATGCCATCTGCATCCACCAGACG-3'
Protein context (NP_000255.2, residues 916-936): PSAFYIYLTA[Trp926Gly]VSNDPVAYAA